The following is an entry in ClinVar:

NM_000494.4(COL17A1):c.2987G>C (p.Gly996Ala)

Gene: COL17A1 (collagen type XVII alpha 1 chain; minus strand). Cytogenetic location: 10q25.1.
Variant type: single nucleotide variant.
Coding change: c.2987G>C on transcript NM_000494.4 (MANE Select); coding-DNA position 2987, G replaced by C.
Protein change: p.Gly996Ala; replaces glycine 996 with alanine.
Molecular consequence: missense variant.
Genome position (GRCh38, 1-based): chr10:104,038,489, C>G on the plus strand (G>C on the coding strand, the complement: COL17A1 is on the minus strand). VCF-style: chr10-104038489-C-G. GRCh37 (hg19) VCF-style: chr10-105798247-C-G.
Other names: short protein forms G996A.
Identifiers: ClinVar variation 2277148 (VCV002277148.4), dbSNP rs745998179, ClinGen allele CA5678141.
Genomic context (GRCh38, chr10:104,038,489, plus strand): 5'-TGCTGAATCTCCTGGCCAGAGCTGCTGATAGAGCCCGGAGGCCCAGGGGGCCCAGGGGGC[C>G]CTGGCGGGCCTGACACGTACATGGTACTTGATGATCCCCCTGCAGCAAAGAGAAAGCGTC-3'
Protein context (NP_000485.3, residues 986-1006): SSTMYVSGPP[Gly996Ala]PPGPPGPPGS

ClinVar aggregate classification (germline): Conflicting classifications of pathogenicity. Review status: criteria provided, conflicting classifications (1 of 4 stars). 2 submissions from 2 submitters: Likely pathogenic (1); Uncertain significance (1). Last evaluated 2023-03-21.

Conditions:
Inborn genetic diseases. Identifiers: MedGen C0950123, MeSH D030342.

Allele frequency attached by ClinVar (database versions not stated): gnomAD exomes 0.00001; TOPMed 0.00001; ExAC 0.00002.
gnomAD v4.1: 5 of 1,613,768 alleles (0.00031%); highest among the groups gnomAD compares: Admixed American, 0.0033%; no homozygotes.

Submissions (2):

GeneDx
Classification: Likely pathogenic. Last evaluated: 2023-03-21. Review status: criteria provided, single submitter. Criteria: GeneDx Variant Classification Process June 2021. Collection method: clinical testing. Allele origin: germline. Affected: yes.
Comment: Has not been previously published as pathogenic or benign to our knowledge; Substitutions of the Glycine position within the canonical Gly-X-Y repeat in the collagenous domain of the protein destabilize the COLXVII triple helix yielding fragile and unstable anchoring fibrils that are unable to adequately anchor the basement membrane of the epidermis to the dermis resulting in skin fragility (Pfendner and Lucky, 2018); Not observed at a significant frequency in large population cohorts (gnomAD); In silico analysis, which includes protein predictors and evolutionary conservation, supports a deleterious effect

Ambry Genetics
Classification: Uncertain significance for Inborn genetic diseases. Last evaluated: 2022-02-11. Review status: criteria provided, single submitter. Criteria: Ambry Variant Classification Scheme 2023. Collection method: clinical testing. Allele origin: germline.